The following is an entry in ClinVar:

NM_004415.4(DSP):c.4821G>A (p.Glu1607=)

Gene: DSP (desmoplakin; plus strand). Cytogenetic location: 6p24.3.
Variant type: single nucleotide variant.
Coding change: c.4821G>A on transcript NM_004415.4 (MANE Select); coding-DNA position 4821, G replaced by A.
Protein change: p.Glu1607=; no amino-acid change (glutamic acid 1607 retained).
Molecular consequence: synonymous variant. On other transcripts: intron variant (2).
Genome position (GRCh38, 1-based): chr6:7,581,011, G>A. VCF-style: chr6-7581011-G-A. GRCh37 (hg19) VCF-style: chr6-7581244-G-A.
Other names: c.4821G>A (LRG_423t1); c.4050+771G>A (NM_001319034.2); c.3582+1239G>A (NM_001008844.3).
Identifiers: ClinVar variation 534321 (VCV000534321.10), dbSNP rs1030367156, ClinGen allele CA133970345.

ClinVar aggregate classification (germline): Likely benign. Review status: criteria provided, multiple submitters, no conflicts (2 of 4 stars). 2 submissions from 2 submitters: Likely benign (2). Last evaluated 2023-06-08.

Conditions:
Arrhythmogenic cardiomyopathy with wooly hair and keratoderma. Also called: PALMOPLANTAR KERATODERMA WITH LEFT VENTRICULAR CARDIOMYOPATHY AND WOOLLY HAIR; Carvajal syndrome; Dilated cardiomyopathy with woolly hair and keratoderma; Arrhythmogenic cardiomyopathy with woolly hair and keratoderma. Identifiers: Orphanet 65282, MedGen C1854063, MONDO:0011581, OMIM 605676.
Arrhythmogenic right ventricular dysplasia 8 (ARVD8). Also called: Arrhythmogenic Right Ventricular Dysplasia/Cardiomyopathy 8; ARRHYTHMOGENIC RIGHT VENTRICULAR DYSPLASIA, FAMILIAL, 8; ARRHYTHMOGENIC RIGHT VENTRICULAR CARDIOMYOPATHY 8. Identifiers: MedGen C1843896, MONDO:0011831, OMIM 607450.

Submissions (2):

All of Us Research Program, National Institutes of Health
Classification: Likely benign for Arrhythmogenic cardiomyopathy with wooly hair and keratoderma. Last evaluated: 2023-06-08. Review status: criteria provided, single submitter. Criteria: ACMG Guidelines, 2015. Collection method: clinical testing. Allele origin: germline. Inheritance: Autosomal dominant inheritance. Observed: 2 variant alleles, 2 heterozygotes.
Comment: This study involves interpretation of variants in research participants for the purpose of population health screening. Participant phenotype was not available at the time of variant classification. Additional details can be found in publication PMID: 35346344, PMCID: PMC8962531

Labcorp Genetics (formerly Invitae), Labcorp
Classification: Likely benign for Arrhythmogenic cardiomyopathy with wooly hair and keratoderma; Arrhythmogenic right ventricular dysplasia 8. Last evaluated: 2021-01-20. Review status: criteria provided, single submitter. Criteria: Invitae Variant Classification Sherloc (09022015). Collection method: clinical testing. Allele origin: germline.